The following is an entry in ClinVar:

NM_004960.4(FUS):c.1531del (p.Met511fs)

Gene: FUS (FUS RNA binding protein; plus strand). Cytogenetic location: 16p11.2.
Variant type: Deletion.
Coding change: c.1531del on transcript NM_004960.4 (MANE Select); coding-DNA position 1531, one base deleted (A; older notation c.1531delA).
Protein change: p.Met511fs; shifts the reading frame from methionine 511.
Molecular consequence: frameshift variant. On other transcripts: non-coding transcript variant (1).
Genome position (GRCh38, 1-based): chr16:31,191,100, A deleted. VCF-style (leftmost placement, unchanged base first): chr16-31191099-GA-G. GRCh37 (hg19) VCF-style: chr16-31202420-GA-G.
Other names: c.1528del, p.Met510fs (NM_001170634.1); c.1519del, p.Met507fs (NM_001170937.1); short protein forms M507fs, M510fs, M511fs.
Identifiers: ClinVar variation 3344713 (VCV003344713.1).

ClinVar aggregate classification (germline): Likely pathogenic (0 of 4 stars; one submission).

Conditions:
FUS-related disorder. Also called: FUS-related condition.

Submission:

PreventionGenetics, part of Exact Sciences
Classification: Likely pathogenic for FUS-related condition. Last evaluated: 2024-06-16. Review status: no assertion criteria provided. Collection method: clinical testing. Allele origin: germline.
Comment: The FUS c.1531delA variant is predicted to result in a frameshift and premature protein termination (p.Met511Trpfs*18). To our knowledge, this variant has not been reported in the literature or in a large population database, indicating this variant is rare. Frameshift variants in FUS are expected to be pathogenic. This variant is interpreted as likely pathogenic.